The following is an entry in ClinVar:

NC_000020.10:g.(?_49507942)_(49576762_?)del

Genes: MOCS3 (molybdenum cofactor synthesis 3; plus strand), DPM1 (dolichyl-phosphate mannosyltransferase subunit 1, catalytic; minus strand), ADNP (activity dependent neuroprotector homeobox; minus strand). Cytogenetic location: 20q13.13.
Variant type: Deletion.
Identifiers: ClinVar variation 2424782 (VCV002424782.3).

ClinVar aggregate classification (germline): Pathogenic (1 of 4 stars; one submission).

Conditions:
Congenital disorder of glycosylation type 1E (CDG1E). Also called: CDG Ie; CONGENITAL DISORDER OF GLYCOSYLATION, TYPE Ie. Identifiers: Orphanet 79322, MedGen C1837396, MONDO:0012123, OMIM 608799.

Submission:

Labcorp Genetics (formerly Invitae), Labcorp
Classification: Pathogenic for Congenital disorder of glycosylation type 1E. Last evaluated: 2022-07-17. Review status: criteria provided, single submitter. Criteria: Invitae Variant Classification Sherloc (09022015). Collection method: clinical testing. Allele origin: germline.
Comment: A gross deletion of the genomic region encompassing the full coding sequence of the DPM1 gene has been identified. Loss-of-function variants in DPM1 are known to be pathogenic (PMID: 10642597, 10642602). The boundaries of this event are unknown as they extend beyond the assayed region for this gene and therefore may encompass additional genes. This variant has not been reported in the literature in individuals affected with DPM1-related conditions. For these reasons, this variant has been classified as Pathogenic.

Literature cited by the submitters: PubMed 10642597; PubMed 10642602.